The following is an entry in ClinVar:

NM_000393.5(COL5A2):c.2031+58T>A

Gene: COL5A2 (collagen type V alpha 2 chain; minus strand). Cytogenetic location: 2q32.2.
Variant type: single nucleotide variant.
Coding change: c.2031+58T>A on transcript NM_000393.5 (MANE Select); 58 bases into the intron after coding-DNA position 2031, T replaced by A.
Molecular consequence: intron variant.
Genome position (GRCh38, 1-based): chr2:189,061,504, A>T on the plus strand (T>A on the coding strand, the complement: COL5A2 is on the minus strand). VCF-style: chr2-189061504-A-T. GRCh37 (hg19) VCF-style: chr2-189926230-A-T.
Other names: c.2031+58T>A (NM_000393.4).
Identifiers: ClinVar variation 2651757 (VCV002651757.24), dbSNP rs550384988, ClinGen allele CA62600780.

ClinVar aggregate classification (germline): Benign. Review status: criteria provided, single submitter (1 of 4 stars). 2 submissions from 2 submitters: Benign (1). 1 of the submissions does not count toward it. Last evaluated 2022-10-01.

Conditions:
COL5A2-related disorder. Also called: COL5A2-related condition.

Allele frequency attached by ClinVar (database versions not stated): gnomAD 0.00040; gnomAD exomes 0.00099; 1000 Genomes Project 0.00120; 1000 Genomes Project 30x 0.00125.
gnomAD v4.1: 1,113 of 1,182,460 alleles (0.094%); highest among the groups gnomAD compares: South Asian, 0.22%; 2 homozygotes.

Submissions (2):

CeGaT Center for Human Genetics Tuebingen
Classification: Benign. Last evaluated: 2022-10-01. Review status: criteria provided, single submitter. Criteria: CeGaT Center For Human Genetics Tuebingen Variant Classification Criteria Version 2. Collection method: clinical testing. Allele origin: germline. Affected: yes. Observed: 1 variant allele.
Comment: COL5A2: BS1, BS2

PreventionGenetics, part of Exact Sciences
Classification: Likely benign for COL5A2-related condition. Last evaluated: 2024-09-03. Review status: no assertion criteria provided. Collection method: clinical testing. Allele origin: germline. Not counted in ClinVar's aggregate classification.
Comment: This variant is classified as likely benign based on ACMG/AMP sequence variant interpretation guidelines (Richards et al. 2015 PMID: 25741868, with internal and published modifications).